The following is an entry in ClinVar:

ClinVar aggregate classification (germline): Benign. Review status: criteria provided, multiple submitters, no conflicts (2 of 4 stars). 14 submissions from 13 submitters: Benign (10). 4 of the submissions do not count toward it. Last evaluated 2026-02-04.

Conditions:
Charcot-Marie-Tooth disease. Also called: Charcot-Marie-Tooth Hereditary Neuropathy; Charcot-Marie-Tooth Neuropathy. Identifiers: Orphanet 166, MedGen C0007959, MONDO:0015626.
Charcot-Marie-Tooth disease type 4. Also called: Charcot-Marie-Tooth, Type 4; Charcot-Marie-Tooth disease, type IV. Identifiers: Orphanet 64749, MedGen C4082197, MONDO:0018995.
Dejerine-Sottas disease. Also called: HMSN Type III; Hereditary motor and sensory neuropathy 3; HEREDITARY MOTOR AND SENSORY NEUROPATHY TYPE III; Charcot-Marie-Tooth disease type 3; DEJERINE-SOTTAS NEUROPATHY. Identifiers: Orphanet 64748, MedGen C0011195, MONDO:0007790, OMIM 145900.
Charcot-Marie-Tooth disease type 4F. Also called: Charcot-Marie-Tooth disease, demyelinating, type 4F. Identifiers: Orphanet 99952, MedGen C3540453, MONDO:0013959, OMIM 614895.

Allele frequency attached by ClinVar (database versions not stated): ExAC 0.50704; gnomAD exomes 0.52166; 1000 Genomes Project 0.53195; 1000 Genomes Project 30x 0.53998; gnomAD 0.56968; TOPMed 0.59601; ESP Exome Variant Server 0.60910.

Submissions (14):

Labcorp Genetics (formerly Invitae), Labcorp
Classification: Benign for Charcot-Marie-Tooth disease type 4. Last evaluated: 2026-02-04. Review status: criteria provided, single submitter. Criteria: Invitae Variant Classification Sherloc (09022015). Collection method: clinical testing. Allele origin: germline.

Blueprint Genetics
Classification: Benign. Last evaluated: 2024-11-28. Review status: criteria provided, single submitter. Criteria: ACMG Guidelines, 2015. Collection method: clinical testing. Allele origin: germline.

Genome-Nilou Lab
Classification: Benign for Charcot-Marie-Tooth disease type 4F. Last evaluated: 2021-10-25. Review status: criteria provided, single submitter. Criteria: ACMG Guidelines, 2015. Collection method: clinical testing. Allele origin: germline. Affected: no.

Genome-Nilou Lab
Classification: Benign for Dejerine-Sottas disease. Last evaluated: 2021-10-25. Review status: criteria provided, single submitter. Criteria: ACMG Guidelines, 2015. Collection method: clinical testing. Allele origin: germline. Affected: no.

Illumina Laboratory Services, Illumina
Classification: Benign for Charcot-Marie-Tooth disease type 4F. Last evaluated: 2018-01-13. Review status: criteria provided, single submitter. Criteria: ICSL Variant Classification Criteria 13 December 2019. Collection method: clinical testing. Allele origin: germline.
Comment: This variant was observed in the ICSL laboratory as part of a predisposition screen in an ostensibly healthy population. It had not been previously curated by ICSL or reported in the Human Gene Mutation Database (HGMD: prior to June 1st, 2018), and was therefore a candidate for classification through an automated scoring system. Utilizing variant allele frequency, disease prevalence and penetrance estimates, and inheritance mode, an automated score was calculated to assess if this variant is too frequent to cause the disease. Based on the score and internal cut-off values, a variant classified as benign is not then subjected to further curation. The score for this variant resulted in a classification of benign for this disease.

Athena Diagnostics
Classification: Benign for Charcot-Marie-Tooth disease type 4F. Last evaluated: 2017-04-25. Review status: criteria provided, single submitter. Criteria: Athena Diagnostics Criteria. Collection method: clinical testing. Allele origin: germline.

Mayo Clinic Laboratories, Mayo Clinic
Classification: Benign. Last evaluated: 2015-08-27. Review status: criteria provided, single submitter. Criteria: ACMG Guidelines, 2015. Collection method: clinical testing. Allele origin: germline. Observed: 1,637 variant alleles.

GeneDx
Classification: Benign. Last evaluated: 2015-03-03. Review status: criteria provided, single submitter. Criteria: GeneDx Variant Classification Process June 2021. Collection method: clinical testing. Allele origin: germline. Affected: yes.

Breakthrough Genomics
Classification: Benign. Review status: criteria provided, single submitter. Criteria: ACMG Guidelines, 2015. Collection method: not provided. Allele origin: germline. Inheritance: Autosomal recessive inheritance. Affected: yes.

Molecular Genetics Laboratory, London Health Sciences Centre
Classification: Benign for Charcot-Marie-Tooth disease. Review status: criteria provided, single submitter. Criteria: ACMG Guidelines, 2015. Collection method: clinical testing. Allele origin: germline. Affected: yes.

Clinical Genetics, Academic Medical Center
Classification: Benign. Review status: no assertion criteria provided. Collection method: clinical testing. Allele origin: germline. Affected: yes. Study: VKGL Data-share Consensus. Not counted in ClinVar's aggregate classification.

Diagnostic Laboratory, Department of Genetics, University Medical Center Groningen
Classification: Benign. Review status: no assertion criteria provided. Collection method: clinical testing. Allele origin: germline. Affected: yes. Study: VKGL Data-share Consensus. Not counted in ClinVar's aggregate classification.

Genetic Services Laboratory, University of Chicago
Classification: Likely benign for AllHighlyPenetrant. Review status: no assertion criteria provided. Collection method: clinical testing. Allele origin: germline. Inheritance: Autosomal recessive inheritance. Not counted in ClinVar's aggregate classification.
Comment: Likely benign based on allele frequency in 1000 Genomes Project or ESP global frequency and its presence in a patient with a rare or unrelated disease phenotype. NOT Sanger confirmed.

Joint Genome Diagnostic Labs from Nijmegen and Maastricht, Radboudumc and MUMC+
Classification: Benign. Review status: no assertion criteria provided. Collection method: clinical testing. Allele origin: germline. Affected: yes. Study: VKGL Data-share Consensus. Not counted in ClinVar's aggregate classification.

NM_181882.3(PRX):c.2655T>C (p.Pro885=)

Gene: PRX (periaxin; minus strand). Cytogenetic location: 19q13.2.
Variant type: single nucleotide variant.
Coding change: c.2655T>C on transcript NM_181882.3 (MANE Select); coding-DNA position 2655, T replaced by C.
Protein change: p.Pro885=; no amino-acid change (proline 885 retained).
Molecular consequence: synonymous variant. On other transcripts: 3 prime UTR variant (1).
Genome position (GRCh38, 1-based): chr19:40,395,697, A>G on the plus strand (T>C on the coding strand, the complement: PRX is on the minus strand). VCF-style: chr19-40395697-A-G. GRCh37 (hg19) VCF-style: chr19-40901604-A-G.
Other names: p.Pro885=; c.*2860T>C (NM_020956.2).
Identifiers: ClinVar variation 130049 (VCV000130049.33), dbSNP rs268672, ClinGen allele CA154798.